The following is an entry in ClinVar:

NM_052989.3(IFT122):c.3129C>T (p.Arg1043=)

Gene: IFT122 (intraflagellar transport 122; plus strand). Cytogenetic location: 3q22.1.
Variant type: single nucleotide variant.
Coding change: c.3129C>T on transcript NM_052989.3 (MANE Select); coding-DNA position 3129, C replaced by T.
Protein change: p.Arg1043=; no amino-acid change (arginine 1043 retained).
Molecular consequence: synonymous variant.
Genome position (GRCh38, 1-based): chr3:129,514,530, C>T. VCF-style: chr3-129514530-C-T. GRCh37 (hg19) VCF-style: chr3-129233373-C-T.
Other names: c.3108C>T, p.Arg1036= (NM_001280541.2); c.2679C>T, p.Arg893= (NM_001280545.2); c.2502C>T, p.Arg834= (NM_001280546.2); c.2952C>T, p.Arg984= (NM_018262.4); c.3282C>T, p.Arg1094= (NM_052985.4); c.2799C>T, p.Arg933= (NM_052990.3).
Identifiers: ClinVar variation 195991 (VCV000195991.53), dbSNP rs76881473, ClinGen allele CA206264.

ClinVar aggregate classification (germline): Conflicting classifications of pathogenicity. Review status: criteria provided, conflicting classifications (1 of 4 stars). 8 submissions from 8 submitters: Uncertain significance (1); Benign (1); Likely benign (6). Last evaluated 2026-06-01.

Conditions:
Connective tissue disorder. Also called: Connective tissue disease. Identifiers: MedGen C0009782, MONDO:0003900.
Cranioectodermal dysplasia 1 (CED1). Also called: LEVIN SYNDROME I. Identifiers: Orphanet 1515, MedGen C0432235, MONDO:0021093, OMIM 218330.

Allele frequency attached by ClinVar (database versions not stated): 1000 Genomes Project 0.00120; 1000 Genomes Project 30x 0.00125; gnomAD 0.00206; TOPMed 0.00209; gnomAD exomes 0.00251 and 0.00354; ExAC 0.00289; ESP Exome Variant Server 0.00323.
gnomAD v4.1: 5,415 of 1,614,226 alleles (0.34%); highest among the groups gnomAD compares: Middle Eastern, 0.43%; 15 homozygotes.

Submissions (8):

CeGaT Center for Human Genetics Tuebingen
Classification: Likely benign. Last evaluated: 2026-06-01. Review status: criteria provided, single submitter. Criteria: CeGaT Center For Human Genetics Tuebingen Variant Classification Criteria Version 2. Collection method: clinical testing. Allele origin: germline. Affected: yes. Observed: 4 variant alleles.
Comment: IFT122: BP4, BP7, BS2

Labcorp Genetics (formerly Invitae), Labcorp
Classification: Benign for Cranioectodermal dysplasia 1. Last evaluated: 2026-01-19. Review status: criteria provided, single submitter. Criteria: Invitae Variant Classification Sherloc (09022015). Collection method: clinical testing. Allele origin: germline.

Blueprint Genetics
Classification: Likely benign. Last evaluated: 2024-10-30. Review status: criteria provided, single submitter. Criteria: ACMG Guidelines, 2015. Collection method: clinical testing. Allele origin: germline.

GeneDx
Classification: Likely benign. Last evaluated: 2020-09-01. Review status: criteria provided, single submitter. Criteria: GeneDx Variant Classification Process June 2021. Collection method: clinical testing. Allele origin: germline. Affected: yes.

Genome Diagnostics Laboratory, The Hospital for Sick Children
Classification: Likely benign for Connective tissue disorder. Last evaluated: 2019-02-01. Review status: criteria provided, single submitter. Criteria: ACMG Guidelines, 2015. Collection method: clinical testing. Allele origin: germline.

Illumina Laboratory Services, Illumina
Classification: Likely benign for Cranioectodermal dysplasia 1. Last evaluated: 2018-01-13. Review status: criteria provided, single submitter. Criteria: ICSL Variant Classification Criteria 13 December 2019. Collection method: clinical testing. Allele origin: germline.
Comment: This variant was observed in the ICSL laboratory as part of a predisposition screen in an ostensibly healthy population. It had not been previously curated by ICSL or reported in the Human Gene Mutation Database (HGMD: prior to June 1st, 2018), and was therefore a candidate for classification through an automated scoring system. Utilizing variant allele frequency, disease prevalence and penetrance estimates, and inheritance mode, an automated score was calculated to assess if this variant is too frequent to cause the disease. Based on the score and internal cut-off values, a variant classified as likely benign is not then subjected to further curation. The score for this variant resulted in a classification of likely benign for this disease.

Eurofins Ntd Llc (ga)
Classification: Likely benign. Last evaluated: 2016-05-02. Review status: criteria provided, single submitter. Criteria: EGL Classification Definitions 2015. Collection method: clinical testing. Allele origin: germline. Observed: 2 variant alleles, 2 heterozygotes.

Genetic Services Laboratory, University of Chicago
Classification: Uncertain significance. Last evaluated: 2015-01-13. Review status: criteria provided, single submitter. Criteria: ACMG Guidelines, 2015. Collection method: clinical testing. Allele origin: germline.